The following is an entry in ClinVar:

NM_203447.4(DOCK8):c.5580+3A>G

Gene: DOCK8 (dedicator of cytokinesis 8; plus strand). Cytogenetic location: 9p24.3.
Variant type: single nucleotide variant.
Coding change: c.5580+3A>G on transcript NM_203447.4 (MANE Select); 3 bases into the intron after coding-DNA position 5580, A replaced by G.
Molecular consequence: intron variant.
Genome position (GRCh38, 1-based): chr9:443,519, A>G. VCF-style: chr9-443519-A-G. GRCh37 (hg19) VCF-style: chr9-443519-A-G.
Other names: c.5376+3A>G (NM_001193536.2); c.5280+3A>G (NM_001190458.2).
Identifiers: ClinVar variation 452462 (VCV000452462.8), dbSNP rs759762552, ClinGen allele CA4959457.
Genomic context (GRCh38, chr9:443,519, plus strand): 5'-TGTGGAAGTGATTAAAGACTCCACTCCTGTGGACAAAACCAAGTTGGATCCTAACAAGGT[A>G]TACAAAAATTTACAAAAACTAACCATCAAGCTCTAAATCCCTTCGTTCTCTACCCAAGAA-3'

ClinVar aggregate classification (germline): Conflicting classifications of pathogenicity. Review status: criteria provided, conflicting classifications (1 of 4 stars). 3 submissions from 3 submitters: Likely pathogenic (1); Uncertain significance (2). Last evaluated 2024-06-16.

Conditions:
DOCK8-related disorders.
Combined immunodeficiency due to DOCK8 deficiency (HIES2). Also called: HIES autosomal recessive; Hyper-IgE recurrent infection syndrome, autosomal recessive; HYPER-IgE RECURRENT INFECTION SYNDROME 2, AUTOSOMAL RECESSIVE; HYPER-IgE SYNDROME 2, AUTOSOMAL RECESSIVE, WITH RECURRENT INFECTIONS; DOCK8 Deficiency. Identifiers: Orphanet 217390, MedGen C4722305, MONDO:0009478, OMIM 243700.

Allele frequency attached by ClinVar (database versions not stated): gnomAD exomes below 0.00001; ExAC 0.00001; gnomAD 0.00001.
gnomAD v4.1: 2 of 1,613,054 alleles (0.00012%); highest among the groups gnomAD compares: African/African-American, 0.0027%; no homozygotes.

Submissions (3):

Labcorp Genetics (formerly Invitae), Labcorp
Classification: Uncertain significance for Combined immunodeficiency due to DOCK8 deficiency. Last evaluated: 2024-06-16. Review status: criteria provided, single submitter. Criteria: Invitae Variant Classification Sherloc (09022015). Collection method: clinical testing. Allele origin: germline.
Comment: This sequence change falls in intron 43 of the DOCK8 gene. It does not directly change the encoded amino acid sequence of the DOCK8 protein. It affects a nucleotide within the consensus splice site. This variant is present in population databases (rs759762552, gnomAD no frequency). This variant has not been reported in the literature in individuals affected with DOCK8-related conditions. ClinVar contains an entry for this variant (Variation ID: 452462). Variants that disrupt the consensus splice site are a relatively common cause of aberrant splicing (PMID: 17576681, 9536098). Algorithms developed to predict the effect of sequence changes on RNA splicing suggest that this variant may disrupt the consensus splice site. In summary, the available evidence is currently insufficient to determine the role of this variant in disease. Therefore, it has been classified as a Variant of Uncertain Significance.

Blueprint Genetics
Classification: Likely pathogenic for DOCK8-related disorders. Last evaluated: 2020-01-07. Review status: criteria provided, single submitter. Criteria: ACMG Guidelines, 2015. Collection method: clinical testing. Allele origin: germline. Affected: yes. Observed: 1 variant allele.

GeneDx
Classification: Uncertain significance. Last evaluated: 2017-10-05. Review status: criteria provided, single submitter. Criteria: GeneDx Variant Classification (06012015). Collection method: clinical testing. Allele origin: germline. Affected: yes.
Comment: The c.5580+3 A>G variant has not been published as a pathogenic variant, nor has it been reported as a benign variant to our knowledge. The c.5580+3 A>G variant is not observed in large population cohorts (Lek et al., 2016). Several in-silico splice prediction models predict that c.5580+3 A>G either damages or destroys the natural donor site and leads to abnormal gene splicing. However, in the absence of RNA/functional studies, the actual effect of this sequence change in this individual is unknown. Therefore, based on the currently available information, it is unclear whether this variant is a pathogenic variant or a rare benign variant

Literature cited by the submitters: PubMed 17576681 (cited by Labcorp Genetics (formerly Invitae), Labcorp); PubMed 9536098 (cited by Labcorp Genetics (formerly Invitae), Labcorp).